The following is an entry in ClinVar:

NM_000553.6(WRN):c.3757T>A (p.Cys1253Ser)

Gene: WRN (WRN RecQ like helicase; plus strand). Cytogenetic location: 8p12.
Variant type: single nucleotide variant.
Coding change: c.3757T>A on transcript NM_000553.6 (MANE Select); coding-DNA position 3757, T replaced by A.
Protein change: p.Cys1253Ser; replaces cysteine 1253 with serine.
Molecular consequence: missense variant.
Genome position (GRCh38, 1-based): chr8:31,154,693, T>A. VCF-style: chr8-31154693-T-A. GRCh37 (hg19) VCF-style: chr8-31012209-T-A.
Other names: short protein forms C1253S.
Identifiers: ClinVar variation 863548 (VCV000863548.5), dbSNP rs1217555849, ClinGen allele CA370929105.
Genomic context (GRCh38, chr8:31,154,693, plus strand): 5'-TTTTCAAGTACAAAACCTCAAGAAGAACAGAAGACGAGTCTGGTAGCAAAAAATAAAATA[T>A]GCACACTTTCACAGTCTATGGCCATCACATACTCTTTATTCCAAGAAAAGAAGATGCCTT-3'
Protein context (NP_000544.2, residues 1243-1263): KTSLVAKNKI[Cys1253Ser]TLSQSMAITY

ClinVar aggregate classification (germline): Uncertain significance (1 of 4 stars; one submission).

Conditions:
Werner syndrome (WRN). Identifiers: Orphanet 902, MedGen C0043119, MONDO:0010196, OMIM 277700.

Allele frequency attached by ClinVar (database versions not stated): gnomAD exomes below 0.00001.
gnomAD v4.1: 3 of 1,613,658 alleles (0.00019%); highest among the groups gnomAD compares: South Asian, 0.0011%; no homozygotes.

Submission:

Labcorp Genetics (formerly Invitae), Labcorp
Classification: Uncertain significance for Werner syndrome. Last evaluated: 2019-11-25. Review status: criteria provided, single submitter. Criteria: Invitae Variant Classification Sherloc (09022015). Collection method: clinical testing. Allele origin: germline.
Comment: In summary, the available evidence is currently insufficient to determine the role of this variant in disease. Therefore, it has been classified as a Variant of Uncertain Significance. Algorithms developed to predict the effect of missense changes on protein structure and function output the following: SIFT: "Tolerated"; PolyPhen-2: "Benign"; Align-GVGD: "Class C0". The serine amino acid residue is found in multiple mammalian species, suggesting that this missense change does not adversely affect protein function. These predictions have not been confirmed by published functional studies and their clinical significance is uncertain. This variant has not been reported in the literature in individuals with WRN-related conditions. This variant is not present in population databases (ExAC no frequency). This sequence change replaces cysteine with serine at codon 1253 of the WRN protein (p.Cys1253Ser). The cysteine residue is weakly conserved and there is a moderate physicochemical difference between cysteine and serine.